The following is an entry in ClinVar:

NM_032119.4(ADGRV1):c.2785_2898+82del

Gene: ADGRV1 (adhesion G protein-coupled receptor V1; plus strand). Cytogenetic location: 5q14.3.
Variant type: Deletion.
Coding change: c.2785_2898+82del on transcript NM_032119.4 (MANE Select); coding-DNA position 2785 through 82 bases into the intron after coding-DNA position 2898, 196 bases deleted.
Molecular consequence: splice donor variant.
Genome position (GRCh38, 1-based): chr5:90,644,756-90,644,951, 196 bases deleted. GRCh37 (hg19): chr5:89,940,573-89,940,768.
Identifiers: ClinVar variation 1465267 (VCV001465267.6), dbSNP rs2149436201, ClinGen allele CA2573140099.

ClinVar aggregate classification (germline): Likely pathogenic (1 of 4 stars; one submission).

Submission:

Labcorp Genetics (formerly Invitae), Labcorp
Classification: Likely pathogenic. Last evaluated: 2024-01-29. Review status: criteria provided, single submitter. Criteria: Invitae Variant Classification Sherloc (09022015). Collection method: clinical testing. Allele origin: germline.
Comment: This variant results in the deletion of part of exon 15 (c.2785_2898+82del) of the ADGRV1 gene. It is expected to disrupt RNA splicing. Variants that disrupt the donor or acceptor splice site typically lead to a loss of protein function (PMID: 16199547), and loss-of-function variants in ADGRV1 are known to be pathogenic (PMID: 19357117, 22135276, 22147658, 26226137, 30718709, 31047384, 32467589). This variant is not present in population databases (gnomAD no frequency). This variant has not been reported in the literature in individuals affected with ADGRV1-related conditions. ClinVar contains an entry for this variant (Variation ID: 1465267). In summary, the currently available evidence indicates that the variant is pathogenic, but additional data are needed to prove that conclusively. Therefore, this variant has been classified as Likely Pathogenic.

Literature cited by the submitters: PubMed 16199547; PubMed 19357117; PubMed 22135276; PubMed 22147658; PubMed 26226137; PubMed 30718709; PubMed 31047384; PubMed 32467589.